The following is an entry in ClinVar:

NM_004646.4(NPHS1):c.248dup (p.Tyr83Ter)

Genes: KIRREL2 (kirre like nephrin family adhesion molecule 2; plus strand), NPHS1 (NPHS1 adhesion molecule, nephrin; minus strand). Cytogenetic location: 19q13.12.
Variant type: Duplication.
Coding change: c.248dup on transcript NM_004646.4 (MANE Select); coding-DNA position 248, one base duplicated (A; older notation c.248dupA).
Protein change: p.Tyr83Ter; replaces tyrosine 83 with a stop codon.
Molecular consequence: nonsense.
Genome position (GRCh38, 1-based): chr19:35,851,483, T duplicated on the plus strand (A on the coding strand, the reverse complement: NPHS1 is on the minus strand). VCF-style (leftmost placement, unchanged base first): chr19-35851482-G-GT. GRCh37 (hg19) VCF-style: chr19-36342384-G-GT.
Other names: c.248dupA (NM_004646.3); short protein forms Y83*.
Identifiers: ClinVar variation 56475 (VCV000056475.7), dbSNP rs386833914, ClinGen allele CA250190.

ClinVar aggregate classification (germline): Pathogenic. Review status: criteria provided, multiple submitters, no conflicts (2 of 4 stars). 3 submissions from 3 submitters: Pathogenic (2). 1 of the submissions does not count toward it. Last evaluated 2023-06-01.

Conditions:
Finnish congenital nephrotic syndrome (NPHS1). Also called: NEPHROTIC SYNDROME, TYPE 1. Identifiers: Orphanet 839, MedGen C0403399, MONDO:0009732, OMIM 256300.

Allele frequency attached by ClinVar (database versions not stated): gnomAD exomes below 0.00001.

Submissions (3):

Baylor Genetics
Classification: Pathogenic for Finnish congenital nephrotic syndrome. Last evaluated: 2023-06-01. Review status: criteria provided, single submitter. Criteria: ACMG Guidelines, 2015. Collection method: clinical testing. Allele origin: unknown.

Labcorp Genetics (formerly Invitae), Labcorp
Classification: Pathogenic. Last evaluated: 2022-04-15. Review status: criteria provided, single submitter. Criteria: Invitae Variant Classification Sherloc (09022015). Collection method: clinical testing. Allele origin: germline.
Comment: For these reasons, this variant has been classified as Pathogenic. Algorithms developed to predict the effect of sequence changes on RNA splicing suggest that this variant may disrupt the consensus splice site. ClinVar contains an entry for this variant (Variation ID: 56475). This variant is also known as c.248insA. This premature translational stop signal has been observed in individual(s) with congenital nephrotic syndrome (PMID: 15906409, 27594755). This variant is not present in population databases (gnomAD no frequency). This sequence change creates a premature translational stop signal (p.Tyr83*) in the NPHS1 gene. It is expected to result in an absent or disrupted protein product. Loss-of-function variants in NPHS1 are known to be pathogenic (PMID: 11317351, 11854170, 12039988).

Juha Muilu Group; Institute for Molecular Medicine Finland (FIMM)
Classification: Likely pathogenic for Finnish congenital nephrotic syndrome. Review status: no assertion criteria provided. Collection method: not provided. Allele origin: unknown. Not counted in ClinVar's aggregate classification.
Comment: FinDis database variant: FinDis database variant: This variant was not found or characterized by our laboratory, data were collected from public sources: see reference
ClinVar note: Converted during submission from probable-pathogenic to Likely pathogenic.

Literature cited by the submitters: PubMed 15906409 (cited by Labcorp Genetics (formerly Invitae), Labcorp); PubMed 27594755 (cited by Labcorp Genetics (formerly Invitae), Labcorp); PubMed 11317351 (cited by Labcorp Genetics (formerly Invitae), Labcorp); PubMed 11854170 (cited by Labcorp Genetics (formerly Invitae), Labcorp); PubMed 12039988 (cited by Labcorp Genetics (formerly Invitae), Labcorp).